The following is an entry in ClinVar:

NM_002485.5(NBN):c.403C>G (p.Leu135Val)

Gene: NBN (nibrin; minus strand). Cytogenetic location: 8q21.3.
Variant type: single nucleotide variant.
Coding change: c.403C>G on transcript NM_002485.5 (MANE Select); coding-DNA position 403, C replaced by G.
Protein change: p.Leu135Val; replaces leucine 135 with valine.
Molecular consequence: missense variant.
Genome position (GRCh38, 1-based): chr8:89,980,811, G>C on the plus strand (C>G on the coding strand, the complement: NBN is on the minus strand). VCF-style: chr8-89980811-G-C. GRCh37 (hg19) VCF-style: chr8-90993039-G-C.
Other names: c.157C>G, p.Leu53Val (NM_001024688.3); short protein forms L135V, L53V.
Identifiers: ClinVar variation 576454 (VCV000576454.21), dbSNP rs1409617560, ClinGen allele CA371661884.

ClinVar aggregate classification (germline): Uncertain significance. Review status: criteria provided, multiple submitters, no conflicts (2 of 4 stars). 4 submissions from 4 submitters: Uncertain significance (3). 1 of the submissions does not count toward it. Last evaluated 2025-08-08.

Conditions:
Microcephaly, normal intelligence and immunodeficiency (NBS). Also called: BERLIN BREAKAGE SYNDROME; SEEMANOVA SYNDROME II; Ataxia telangiectasia variant V1; IMMUNODEFICIENCY, MICROCEPHALY, AND CHROMOSOMAL INSTABILITY; Immunodeficiency, microcephaly with normal intelligence; Nijmegen breakage syndrome. Identifiers: Orphanet 647, MedGen C0398791, MONDO:0009623, OMIM 251260.
Hereditary cancer-predisposing syndrome. Also called: Hereditary neoplastic syndrome; Tumor predisposition; Hereditary Cancer Syndrome; Neoplastic Syndromes, Hereditary. Identifiers: Orphanet 140162, MedGen C0027672, MeSH D009386, MONDO:0015356.

Allele frequency attached by ClinVar (database versions not stated): gnomAD exomes below 0.00001; TOPMed 0.00002.
gnomAD v4.1: 1 of 1,613,156 alleles (0.000062%); highest among the groups gnomAD compares: East Asian, 0.0022%; no homozygotes.

Submissions (4):

Ambry Genetics
Classification: Uncertain significance for Hereditary cancer-predisposing syndrome. Last evaluated: 2025-08-08. Review status: criteria provided, single submitter. Criteria: Ambry Variant Classification Scheme 2023. Collection method: clinical testing. Allele origin: germline.
Comment: The p.L135V variant (also known as c.403C>G), located in coding exon 4 of the NBN gene, results from a C to G substitution at nucleotide position 403. The leucine at codon 135 is replaced by valine, an amino acid with highly similar properties. This amino acid position is highly conserved in available vertebrate species. In addition, this alteration is predicted to be deleterious by in silico analysis. Since supporting evidence is limited at this time, the clinical significance of this alteration remains unclear.

Labcorp Genetics (formerly Invitae), Labcorp
Classification: Uncertain significance for Microcephaly, normal intelligence and immunodeficiency. Last evaluated: 2023-08-25. Review status: criteria provided, single submitter. Criteria: Invitae Variant Classification Sherloc (09022015). Collection method: clinical testing. Allele origin: germline.
Comment: ClinVar contains an entry for this variant (Variation ID: 576454). In summary, the available evidence is currently insufficient to determine the role of this variant in disease. Therefore, it has been classified as a Variant of Uncertain Significance. An algorithm developed to predict the effect of missense changes on protein structure and function (PolyPhen-2) suggests that this variant is likely to be disruptive. This variant has not been reported in the literature in individuals affected with NBN-related conditions. This variant is not present in population databases (gnomAD no frequency). This sequence change replaces leucine, which is neutral and non-polar, with valine, which is neutral and non-polar, at codon 135 of the NBN protein (p.Leu135Val).

Genome-Nilou Lab
Classification: Uncertain significance for Microcephaly, normal intelligence and immunodeficiency. Last evaluated: 2021-11-07. Review status: criteria provided, single submitter. Criteria: ACMG Guidelines, 2015. Collection method: clinical testing. Allele origin: germline. Affected: no.

Natera, Inc.
Classification: Uncertain significance for Nijmegen breakage syndrome. Last evaluated: 2020-12-01. Review status: no assertion criteria provided. Collection method: clinical testing. Allele origin: germline. Not counted in ClinVar's aggregate classification.